The following is an entry in ClinVar:

ClinVar aggregate classification (germline): Uncertain significance. Review status: criteria provided, multiple submitters, no conflicts (2 of 4 stars). 2 submissions from 2 submitters: Uncertain significance (2). Last evaluated 2025-11-24.

Conditions:
KIDINS220-related disorder. Also called: KIDINS220-related condition.

Allele frequency attached by ClinVar (database versions not stated): ExAC 0.00002; gnomAD exomes 0.00002 and 0.00003; TOPMed 0.00002; gnomAD 0.00003; ESP Exome Variant Server 0.00017.
gnomAD v4.1: 54 of 1,614,012 alleles (0.0033%); highest among the groups gnomAD compares: South Asian, 0.0099%; no homozygotes.

Submissions (2):

PreventionGenetics, part of Exact Sciences
Classification: Uncertain significance for KIDINS220-related condition. Last evaluated: 2025-11-24. Review status: criteria provided, single submitter. Criteria: ACMG Guidelines, 2015. Collection method: clinical testing. Allele origin: germline.
Comment: The KIDINS220 c.4450G>C variant is predicted to result in the amino acid substitution p.Asp1484His. To our knowledge, this variant has not been reported in the literature. This variant is reported in 0.0098% of alleles in individuals of South Asian descent in gnomAD. At this time, the clinical significance of this variant is uncertain due to the absence of conclusive functional and genetic evidence.

Labcorp Genetics (formerly Invitae), Labcorp
Classification: Uncertain significance. Last evaluated: 2024-10-21. Review status: criteria provided, single submitter. Criteria: Invitae Variant Classification Sherloc (09022015). Collection method: clinical testing. Allele origin: germline.
Comment: This sequence change replaces aspartic acid, which is acidic and polar, with histidine, which is basic and polar, at codon 1484 of the KIDINS220 protein (p.Asp1484His). This variant is present in population databases (rs367866337, gnomAD 0.01%). This variant has not been reported in the literature in individuals affected with KIDINS220-related conditions. ClinVar contains an entry for this variant (Variation ID: 1488245). An algorithm developed to predict the effect of missense changes on protein structure and function (PolyPhen-2) suggests that this variant is likely to be disruptive. In summary, the available evidence is currently insufficient to determine the role of this variant in disease. Therefore, it has been classified as a Variant of Uncertain Significance.

NM_020738.4(KIDINS220):c.4450G>C (p.Asp1484His)

Gene: KIDINS220 (kinase D interacting substrate 220; minus strand). Cytogenetic location: 2p25.1.
Variant type: single nucleotide variant.
Coding change: c.4450G>C on transcript NM_020738.4 (MANE Select); coding-DNA position 4450, G replaced by C.
Protein change: p.Asp1484His; replaces aspartic acid 1484 with histidine.
Molecular consequence: missense variant. On other transcripts: intron variant (6).
Genome position (GRCh38, 1-based): chr2:8,731,586, C>G on the plus strand (G>C on the coding strand, the complement: KIDINS220 is on the minus strand). VCF-style: chr2-8731586-C-G. GRCh37 (hg19) VCF-style: chr2-8871716-C-G.
Other names: c.4453G>C, p.Asp1485His (NM_001348729.2); c.4396G>C, p.Asp1466His (NM_001348731.2); c.4393G>C, p.Asp1465His (NM_001348732.2); c.4282G>C, p.Asp1428His (NM_001348734.2); c.4279G>C, p.Asp1427His (NM_001348735.2); c.4153G>C, p.Asp1385His (NM_001348736.2); c.3882+1858G>C (NM_001348741.2, NM_001348742.2, NM_001348743.2); c.3996+1858G>C (NM_001348738.2); and 2 more; short protein forms D1427H, D1428H, D1484H, D1485H, D1385H, D1466H, D1465H.
Identifiers: ClinVar variation 1488245 (VCV001488245.9), dbSNP rs367866337, ClinGen allele CA1519363.